The following is an entry in ClinVar:

ClinVar aggregate classification (germline): Uncertain significance. Review status: criteria provided, multiple submitters, no conflicts (2 of 4 stars). 2 submissions from 2 submitters: Uncertain significance (2). Last evaluated 2025-07-29.

Conditions:
Inborn genetic diseases. Identifiers: MedGen C0950123, MeSH D030342.

Allele frequency attached by ClinVar (database versions not stated): gnomAD exomes below 0.00001; ExAC 0.00001; gnomAD 0.00001.
gnomAD v4.1: 9 of 1,610,776 alleles (0.00056%); highest among the groups gnomAD compares: Admixed American, 0.0017%; no homozygotes.

Submissions (2):

Labcorp Genetics (formerly Invitae), Labcorp
Classification: Uncertain significance. Last evaluated: 2025-07-29. Review status: criteria provided, single submitter. Criteria: Invitae Variant Classification Sherloc (09022015). Collection method: clinical testing. Allele origin: germline.
Comment: This sequence change replaces alanine, which is neutral and non-polar, with valine, which is neutral and non-polar, at codon 182 of the CACNA1D protein (p.Ala182Val). This variant is present in population databases (rs760620751, gnomAD 0.01%). This variant has not been reported in the literature in individuals affected with CACNA1D-related conditions. ClinVar contains an entry for this variant (Variation ID: 1936465). Invitae Evidence Modeling of protein sequence and biophysical properties (such as structural, functional, and spatial information, amino acid conservation, physicochemical variation, residue mobility, and thermodynamic stability) indicates that this missense variant is expected to disrupt CACNA1D protein function with a positive predictive value of 80%. In summary, the available evidence is currently insufficient to determine the role of this variant in disease. Therefore, it has been classified as a Variant of Uncertain Significance.

Ambry Genetics
Classification: Uncertain significance for Inborn genetic diseases. Last evaluated: 2022-06-30. Review status: criteria provided, single submitter. Criteria: Ambry Variant Classification Scheme 2023. Collection method: clinical testing. Allele origin: germline.
Comment: The c.545C>T (p.A182V) alteration is located in exon 4 (coding exon 4) of the CACNA1D gene. This alteration results from a C to T substitution at nucleotide position 545, causing the alanine (A) at amino acid position 182 to be replaced by a valine (V). Based on data from gnomAD, the T allele has an overall frequency of 0.001% (3/282784) total alleles studied. The highest observed frequency was 0.01% (1/10368) of Ashkenazi Jewish alleles. This amino acid position is highly conserved in available vertebrate species. This alteration is predicted to be deleterious by in silico analysis. Based on insufficient or conflicting evidence, the clinical significance of this alteration remains unclear.

NM_001128840.3(CACNA1D):c.545C>T (p.Ala182Val)

Gene: CACNA1D (calcium voltage-gated channel subunit alpha1 D; plus strand). Cytogenetic location: 3p21.1.
Variant type: single nucleotide variant.
Coding change: c.545C>T on transcript NM_001128840.3 (MANE Select); coding-DNA position 545, C replaced by T.
Protein change: p.Ala182Val; replaces alanine 182 with valine.
Molecular consequence: missense variant.
Genome position (GRCh38, 1-based): chr3:53,650,840, C>T. VCF-style: chr3-53650840-C-T. GRCh37 (hg19) VCF-style: chr3-53684867-C-T.
Other names: c.545C>T, p.Ala182Val (NM_000720.4, NM_001128839.3); short protein forms A182V.
Identifiers: ClinVar variation 1936465 (VCV001936465.6), dbSNP rs760620751, ClinGen allele CA2453701.
Genomic context (GRCh38, chr3:53,650,840, plus strand): 5'-AAAAAGTAGAATATGCCTTCCTGATTATTTTTACAGTCGAGACATTTTTGAAGATTATAG[C>T]GTATGGATTATTGCTACATCCTAATGCTTATGTTAGGAATGGATGGAATTTACTGGATTT-3'
Protein context (NP_001122312.1, residues 172-192): FTVETFLKII[Ala182Val]YGLLLHPNAY